The following is an entry in ClinVar:

NM_000016.6(ACADM):c.216+1G>A

Gene: ACADM (acyl-CoA dehydrogenase medium chain; plus strand). Cytogenetic location: 1p31.1.
Variant type: single nucleotide variant.
Coding change: c.216+1G>A on transcript NM_000016.6 (MANE Select); the canonical splice donor site of the intron after coding-DNA position 216, G replaced by A.
Molecular consequence: splice donor variant.
Genome position (GRCh38, 1-based): chr1:75,732,742, G>A. VCF-style: chr1-75732742-G-A. GRCh37 (hg19) VCF-style: chr1-76198427-G-A.
Other names: c.228+1G>A (NM_001127328.3); c.216+1G>A (NM_001286043.2, NM_000016.5); c.108+1G>A (NM_001286042.2); c.-170+1G>A (NM_001286044.2).
Identifiers: ClinVar variation 2829096 (VCV002829096.4), dbSNP rs1057516801, ClinGen allele CA340809637.

ClinVar aggregate classification (germline): Pathogenic. Review status: criteria provided, multiple submitters, no conflicts (2 of 4 stars). 2 submissions from 2 submitters: Pathogenic (2). Last evaluated 2025-11-05.

Conditions:
Medium-chain acyl-coenzyme A dehydrogenase deficiency (ACADMD). Also called: ACADM DEFICIENCY; MCADH DEFICIENCY; MCADD; Medium chain acyl-CoA dehydrogenase deficiency; MCAD Deficiency; CARNITINE DEFICIENCY SECONDARY TO MEDIUM-CHAIN ACYL-CoA DEHYDROGENASE DEFICIENCY. Identifiers: Orphanet 42, MedGen C0220710, MONDO:0008721, OMIM 201450.

Allele frequency attached by ClinVar (database versions not stated): gnomAD 0.00001.
gnomAD v4.1: 3 of 1,612,338 alleles (0.00019%); highest among the groups gnomAD compares: African/African-American, 0.004%; no homozygotes.

Submissions (2):

Natera, Inc.
Classification: Pathogenic for Medium Chain Acyl-CoA Dehydrogenase Deficiency. Last evaluated: 2025-11-05. Review status: criteria provided, single submitter. Criteria: Natera Variant Classification Schema (03/2026). Collection method: clinical testing. Allele origin: germline.
Comment: The c.216+1G>A variant in ACADM is a canonical splice donor site variant predicted to affect pre-mRNA splicing, which may result in an abnormal transcript and altered protein product. This variant is expected to result in nonsense mediated decay, truncation, or a dysfunctional protein product. This variant is rare in the general population with a frequency below the threshold expected for the associated phenotype(s). Another variant at this same site results in an alteration predicted to cause a similar molecular effect has been observed in individual(s) with the associated phenotype. Given the available evidence, this variant is classified as Pathogenic.

Labcorp Genetics (formerly Invitae), Labcorp
Classification: Pathogenic for Medium-chain acyl-coenzyme A dehydrogenase deficiency. Last evaluated: 2024-12-12. Review status: criteria provided, single submitter. Criteria: Invitae Variant Classification Sherloc (09022015). Collection method: clinical testing. Allele origin: germline.
Comment: This sequence change affects a donor splice site in intron 3 of the ACADM gene. It is expected to disrupt RNA splicing. Variants that disrupt the donor or acceptor splice site typically lead to a loss of protein function (PMID: 16199547), and loss-of-function variants in ACADM are known to be pathogenic (PMID: 16121256, 20434380). This variant is not present in population databases (gnomAD no frequency). Disruption of this splice site has been observed in individual(s) with medium-chain acyl-coenzyme A dehydrogenase deficiency (PMID: 22630369). ClinVar contains an entry for this variant (Variation ID: 2829096). Algorithms developed to predict the effect of sequence changes on RNA splicing suggest that this variant may disrupt the consensus splice site. For these reasons, this variant has been classified as Pathogenic.

Literature cited by the submitters: PubMed 16199547 (cited by Labcorp Genetics (formerly Invitae), Labcorp); PubMed 16121256 (cited by Labcorp Genetics (formerly Invitae), Labcorp); PubMed 20434380 (cited by Labcorp Genetics (formerly Invitae), Labcorp); PubMed 22630369 (cited by Labcorp Genetics (formerly Invitae), Labcorp).